The following is an entry in ClinVar:

NM_032553.3(GPR174):c.374G>A (p.Arg125His)

Gene: GPR174 (G protein-coupled receptor 174; plus strand). Cytogenetic location: Xq21.1.
Variant type: single nucleotide variant.
Coding change: c.374G>A on transcript NM_032553.3 (MANE Select); coding-DNA position 374, G replaced by A.
Protein change: p.Arg125His; replaces arginine 125 with histidine.
Molecular consequence: missense variant.
Genome position (GRCh38, 1-based): chrX:79,171,381, G>A. VCF-style: chrX-79171381-G-A. GRCh37 (hg19) VCF-style: chrX-78426878-G-A.
Other names: short protein forms R125H.
Identifiers: ClinVar variation 2660974 (VCV002660974.24), dbSNP rs200548821, ClinGen allele CA10460859.
Genomic context (GRCh38, chrX:79,171,381, plus strand): 5'-GCATCTACTTCTTGGTCTGCATCAGTGTGCGACGATTTTGGTTTCTCATGTACCCCTTTC[G>A]CTTCCATGACTGCAAACAGAAATATGACCTGTACATCAGCATTGCTGGCTGGCTGATCAT-3'
Protein context (NP_115942.1, residues 115-135): RRFWFLMYPF[Arg125His]FHDCKQKYDL

ClinVar aggregate classification (germline): Likely benign (1 of 4 stars; one submission).

Allele frequency attached by ClinVar (database versions not stated): gnomAD exomes 0.00002; ExAC 0.00003; gnomAD 0.00003; TOPMed 0.00011; 1000 Genomes Project 30x 0.00042; 1000 Genomes Project 0.00053.
gnomAD v4.1: 27 of 1,209,809 alleles (0.0022%); highest among the groups gnomAD compares: East Asian, 0.039%; no homozygotes.

Submission:

CeGaT Center for Human Genetics Tuebingen
Classification: Likely benign. Last evaluated: 2023-01-01. Review status: criteria provided, single submitter. Criteria: CeGaT Center For Human Genetics Tuebingen Variant Classification Criteria Version 2. Collection method: clinical testing. Allele origin: germline. Affected: yes. Observed: 1 variant allele.
Comment: GPR174: BP4, BS2